The following is an entry in ClinVar:

ClinVar aggregate classification (germline): Pathogenic/Likely pathogenic. Review status: criteria provided, multiple submitters, no conflicts (2 of 4 stars). 7 submissions from 7 submitters: Pathogenic (1); Likely pathogenic (6). Last evaluated 2026-08-12.

Conditions:
Autosomal recessive spinocerebellar ataxia 10. Identifiers: Orphanet 284289, MedGen C3150998, MONDO:0013392, OMIM 613728.

Allele frequency attached by ClinVar (database versions not stated): gnomAD exomes below 0.00001 and 0.00001; ExAC 0.00001; gnomAD 0.00003; TOPMed 0.00004.
gnomAD v4.1: 11 of 1,613,240 alleles (0.00068%); highest among the groups gnomAD compares: Admixed American, 0.0083%; no homozygotes.

Submissions (7):

Myriad Genetics, Inc.
Classification: Likely pathogenic for Autosomal recessive spinocerebellar ataxia 10. Last evaluated: 2026-08-12. Review status: criteria provided, single submitter. Criteria: Myriad Autosomal Dominant, Autosomal Recessive and X-Linked Classification Criteria (2023). Collection method: clinical testing. Allele origin: unknown.
Comment: NM_018075.3(ANO10):c.139+1G>T is a variant in a canonical splice site classified as likely pathogenic in the context of spinocerebellar ataxia, ANO10-related. c.139+1G>T has been observed in cases with relevant disease (PMID: 34234304, 33310205). Relevant functional assessments of this variant are not available in the literature. c.139+1G>T has been observed in referenced population frequency databases. In summary, NM_018075.3(ANO10):c.139+1G>T is a variant in a canonical splice site in a gene where loss of function is a known mechanism of disease, is predicted to disrupt protein function, and has been observed more frequently in cases with the relevant disease than in healthy populations. Please note: this variant was assessed in the context of healthy population screening.

CeGaT Center for Human Genetics Tuebingen
Classification: Pathogenic. Last evaluated: 2025-07-01. Review status: criteria provided, single submitter. Criteria: CeGaT Center For Human Genetics Tuebingen Variant Classification Criteria Version 2. Collection method: clinical testing. Allele origin: germline. Affected: yes. Observed: 1 variant allele.
Comment: ANO10: PVS1, PM2

Dasa
Classification: Likely pathogenic. Last evaluated: 2024-10-21. Review status: criteria provided, single submitter. Criteria: DASA Assertion Criteria. Collection method: clinical testing. Allele origin: germline.
Comment: NM_018075.5(ANO10):c.139+1G>T affects a canonical splice site and is predicted to disrupt normal RNA splicing. Loss of function is an established disease mechanism for ANO10-associated disorders. Also, this variant is rare in population databases. Based on the currently available evidence, this variant is classified as likely pathogenic.

Fulgent Genetics
Classification: Likely pathogenic for Autosomal recessive spinocerebellar ataxia 10. Last evaluated: 2024-02-18. Review status: criteria provided, single submitter. Criteria: ACMG Guidelines, 2015. Collection method: clinical testing. Allele origin: germline.

Labcorp Genetics (formerly Invitae), Labcorp
Classification: Likely pathogenic. Last evaluated: 2024-01-15. Review status: criteria provided, single submitter. Criteria: Invitae Variant Classification Sherloc (09022015). Collection method: clinical testing. Allele origin: germline.
Comment: This sequence change affects a donor splice site in intron 2 of the ANO10 gene. It is expected to disrupt RNA splicing. Variants that disrupt the donor or acceptor splice site typically lead to a loss of protein function (PMID: 16199547), and loss-of-function variants in ANO10 are known to be pathogenic (PMID: 25089919). This variant is present in population databases (rs777450156, gnomAD 0.003%). This variant has not been reported in the literature in individuals affected with ANO10-related conditions. ClinVar contains an entry for this variant (Variation ID: 1323907). Algorithms developed to predict the effect of sequence changes on RNA splicing suggest that this variant may disrupt the consensus splice site. In summary, the currently available evidence indicates that the variant is pathogenic, but additional data are needed to prove that conclusively. Therefore, this variant has been classified as Likely Pathogenic.

Victorian Clinical Genetics Services, Murdoch Childrens Research Institute
Classification: Likely pathogenic for Autosomal recessive spinocerebellar ataxia 10. Last evaluated: 2022-03-31. Review status: criteria provided, single submitter. Criteria: ACMG Guidelines, 2015. Collection method: clinical testing. Allele origin: germline. Inheritance: Autosomal recessive inheritance. Affected: yes.
Comment: Based on the classification scheme VCGS_Germline_v1.3.4, this variant is classified as Likely pathogenic. Following criteria are met: 0102 - Loss of function is a known mechanism of disease in this gene and is associated with spinocerebellar ataxia 10 (MIM#613728). (I) 0106 - This gene is associated with autosomal recessive disease. (I) 0211 - Canonical splice site variant without proven consequence on splicing (no functional evidence available). (SP) 0251 - This variant is heterozygous. (I) 0304 - Variant is present in gnomAD (v3) <0.01 for a recessive condition (4 heterozygotes, 0 homozygotes). (SP) 0505 - Abnormal splicing is predicted by in silico tools and affected nucleotide is highly conserved. (SP) 0705 - No comparable canonical splice site variants have previous evidence for pathogenicity. (I) 0807 - This variant has no previous evidence of pathogenicity. (I) 0905 - No published segregation evidence has been identified for this variant. (I) 1007 - No published functional evidence has been identified for this variant. (I) 1201 - Heterozygous variant detected in trans with a second likely pathogenic heterozygous variant (c.1A>G; p.Met1?) in a recessive disease. (SP) 1208 - Inheritance information for this variant is not currently available in this individual. (I) Legend: (SP) - Supporting pathogenic, (I) - Information, (SB) - Supporting benign

Revvity Omics, Revvity
Classification: Likely pathogenic for Autosomal recessive spinocerebellar ataxia 10. Last evaluated: 2020-12-26. Review status: criteria provided, single submitter. Criteria: ACMG Guidelines, 2015. Collection method: clinical testing. Allele origin: germline.

Literature cited by the submitters: PubMed 33310205 (cited by Myriad Genetics, Inc.); PubMed 34234304 (cited by Myriad Genetics, Inc.); PubMed 16199547 (cited by Labcorp Genetics (formerly Invitae), Labcorp); PubMed 25089919 (cited by Labcorp Genetics (formerly Invitae), Labcorp).

NM_018075.5(ANO10):c.139+1G>T

Gene: ANO10 (anoctamin 10; minus strand). Cytogenetic location: 3p21.33.
Variant type: single nucleotide variant.
Coding change: c.139+1G>T on transcript NM_018075.5 (MANE Select); the canonical splice donor site of the intron after coding-DNA position 139, G replaced by T.
Molecular consequence: splice donor variant.
Genome position (GRCh38, 1-based): chr3:43,605,713, C>A on the plus strand (G>T on the coding strand, the complement: ANO10 is on the minus strand). VCF-style: chr3-43605713-C-A. GRCh37 (hg19) VCF-style: chr3-43647205-C-A.
Other names: c.139+1G>T (NM_001346469.2, NM_001346468.2, NM_001204833.3 and 8 more transcripts).
Identifiers: ClinVar variation 1323907 (VCV001323907.20), dbSNP rs777450156, ClinGen allele CA2341138.